The following is an entry in ClinVar:

NM_005149.3(TBX19):c.917-14G>A

Gene: TBX19 (T-box transcription factor 19; plus strand). Cytogenetic location: 1q24.2.
Variant type: single nucleotide variant.
Coding change: c.917-14G>A on transcript NM_005149.3 (MANE Select); 14 bases into the intron before coding-DNA position 917, G replaced by A.
Molecular consequence: intron variant.
Genome position (GRCh38, 1-based): chr1:168,308,728, G>A. VCF-style: chr1-168308728-G-A. GRCh37 (hg19) VCF-style: chr1-168277966-G-A.
Identifiers: ClinVar variation 293477 (VCV000293477.13), dbSNP rs71632355, ClinGen allele CA1230704.

ClinVar aggregate classification (germline): Benign. Review status: criteria provided, multiple submitters, no conflicts (2 of 4 stars). 3 submissions from 3 submitters: Benign (3). Last evaluated 2026-01-28.

Conditions:
Congenital isolated adrenocorticotropic hormone deficiency. Also called: ACTH DEFICIENCY, ISOLATED; ACTH deficiency; Adrenocorticotropic hormone deficiency. Identifiers: Orphanet 199296, MedGen C0342388, MONDO:0008720, OMIM 201400, HP:0011748.

Allele frequency attached by ClinVar (database versions not stated): gnomAD 0.01897 and 0.02267; TOPMed 0.01984; ESP Exome Variant Server 0.02076; gnomAD exomes 0.02948 and 0.03667; ExAC 0.03789; 1000 Genomes Project 0.03914; 1000 Genomes Project 30x 0.03919.
gnomAD v4.1: 46,886 of 1,613,978 alleles (2.9%); highest among the groups gnomAD compares: South Asian, 12%; 1,318 homozygotes.

Submissions (3):

Labcorp Genetics (formerly Invitae), Labcorp
Classification: Benign. Last evaluated: 2026-01-28. Review status: criteria provided, single submitter. Criteria: Invitae Variant Classification Sherloc (09022015). Collection method: clinical testing. Allele origin: germline.

Illumina Laboratory Services, Illumina
Classification: Benign for Congenital isolated adrenocorticotropic hormone deficiency. Last evaluated: 2018-01-13. Review status: criteria provided, single submitter. Criteria: ICSL Variant Classification Criteria 13 December 2019. Collection method: clinical testing. Allele origin: germline.
Comment: This variant was observed in the ICSL laboratory as part of a predisposition screen in an ostensibly healthy population. It had not been previously curated by ICSL or reported in the Human Gene Mutation Database (HGMD: prior to June 1st, 2018), and was therefore a candidate for classification through an automated scoring system. Utilizing variant allele frequency, disease prevalence and penetrance estimates, and inheritance mode, an automated score was calculated to assess if this variant is too frequent to cause the disease. Based on the score and internal cut-off values, a variant classified as benign is not then subjected to further curation. The score for this variant resulted in a classification of benign for this disease.

Breakthrough Genomics
Classification: Benign. Review status: criteria provided, single submitter. Criteria: ACMG Guidelines, 2015. Collection method: not provided. Allele origin: germline. Inheritance: Autosomal recessive inheritance. Affected: yes.